The following is an entry in ClinVar:

NM_021978.4(ST14):c.628del (p.Gln210fs)

Gene: ST14 (ST14 transmembrane serine protease matriptase; plus strand). Cytogenetic location: 11q24.3.
Variant type: Deletion.
Coding change: c.628del on transcript NM_021978.4 (MANE Select); coding-DNA position 628, one base deleted (C; older notation c.628delC).
Protein change: p.Gln210fs; shifts the reading frame from glutamine 210.
Molecular consequence: frameshift variant.
Genome position (GRCh38, 1-based): chr11:130,190,142, C deleted; the last of 3 consecutive C bases (chr11:130,190,140-130,190,142); deleting any one gives the same sequence. VCF-style (leftmost placement, unchanged base first): chr11-130190139-AC-A. GRCh37 (hg19) VCF-style: chr11-130060034-AC-A.
Other names: short protein forms Q210fs.
Identifiers: ClinVar variation 2097966 (VCV002097966.4), dbSNP rs2540752137, ClinGen allele CA2580083822.
Genomic context (GRCh38, chr11:130,190,139, plus strand): 5'-CAGGAAATGCTTTATTCTCCTTCTTATTCTTCAGCCACGGACTCCAAAACAGTACAGAGG[AC>A]CCAGGACAGTAAGTATCGTGCCCGCCTCCTCTTCTGGGTGGGGAAGAGGCGGGATGTGGC-3'

ClinVar aggregate classification (germline): Pathogenic (1 of 4 stars; one submission).

Submission:

Labcorp Genetics (formerly Invitae), Labcorp
Classification: Pathogenic. Last evaluated: 2022-02-17. Review status: criteria provided, single submitter. Criteria: Invitae Variant Classification Sherloc (09022015). Collection method: clinical testing. Allele origin: germline.
Comment: For these reasons, this variant has been classified as Pathogenic. This variant has not been reported in the literature in individuals affected with ST14-related conditions. This variant is not present in population databases (gnomAD no frequency). This sequence change creates a premature translational stop signal (p.Gln210Argfs*16) in the ST14 gene. It is expected to result in an absent or disrupted protein product. Loss-of-function variants in ST14 are known to be pathogenic (PMID: 18843291, 25308318).

Literature cited by the submitters: PubMed 18843291; PubMed 25308318.